The following is an entry in ClinVar:

NM_005677.4(COLQ):c.1211A>G (p.Tyr404Cys)

Gene: COLQ (collagen like tail subunit of asymmetric acetylcholinesterase; minus strand). Cytogenetic location: 3p25.1.
Variant type: single nucleotide variant.
Coding change: c.1211A>G on transcript NM_005677.4 (MANE Select); coding-DNA position 1211, A replaced by G.
Protein change: p.Tyr404Cys; replaces tyrosine 404 with cysteine.
Molecular consequence: missense variant.
Genome position (GRCh38, 1-based): chr3:15,453,916, T>C on the plus strand (A>G on the coding strand, the complement: COLQ is on the minus strand). VCF-style: chr3-15453916-T-C. GRCh37 (hg19) VCF-style: chr3-15495423-T-C.
Other names: c.1181A>G, p.Tyr394Cys (NM_080538.2); c.1109A>G, p.Tyr370Cys (NM_080539.4); short protein forms Y370C, Y404C, Y394C.
Identifiers: ClinVar variation 1390512 (VCV001390512.8), dbSNP rs764064240, ClinGen allele CA2275826.

ClinVar aggregate classification (germline): Uncertain significance (1 of 4 stars; one submission).

Conditions:
Congenital myasthenic syndrome 5. Identifiers: Orphanet 590, MedGen C1864233, MONDO:0011281, OMIM 603034.

Allele frequency attached by ClinVar (database versions not stated): gnomAD exomes below 0.00001 and 0.00001; ExAC 0.00001; TOPMed 0.00001.
gnomAD v4.1: 5 of 1,609,118 alleles (0.00031%); highest among the groups gnomAD compares: Non-Finnish European, 0.00034%; no homozygotes.

Submission:

Labcorp Genetics (formerly Invitae), Labcorp
Classification: Uncertain significance for Congenital myasthenic syndrome 5. Last evaluated: 2021-07-03. Review status: criteria provided, single submitter. Criteria: Invitae Variant Classification Sherloc (09022015). Collection method: clinical testing. Allele origin: germline.
Comment: This variant has not been reported in the literature in individuals affected with COLQ-related conditions. In summary, the available evidence is currently insufficient to determine the role of this variant in disease. Therefore, it has been classified as a Variant of Uncertain Significance. Algorithms developed to predict the effect of missense changes on protein structure and function are either unavailable or do not agree on the potential impact of this missense change (SIFT: "Deleterious"; PolyPhen-2: "Not Available"; Align-GVGD: "Class C0"). This variant is present in population databases (rs764064240, ExAC 0.02%). This sequence change replaces tyrosine with cysteine at codon 404 of the COLQ protein (p.Tyr404Cys). The tyrosine residue is moderately conserved and there is a large physicochemical difference between tyrosine and cysteine.